The following is an entry in ClinVar:

ClinVar aggregate classification (germline): Uncertain significance (1 of 4 stars; one submission).

gnomAD v4.1: 6 of 1,612,550 alleles (0.00037%); highest among the groups gnomAD compares: Non-Finnish European, 0.00051%; no homozygotes.

Submissions (2):

Labcorp Genetics (formerly Invitae), Labcorp
Classification: Uncertain significance. Last evaluated: 2024-07-20. Review status: criteria provided, single submitter. Criteria: Invitae Variant Classification Sherloc (09022015). Collection method: clinical testing. Allele origin: germline.
Comment: This sequence change replaces glycine, which is neutral and non-polar, with arginine, which is basic and polar, at codon 506 of the CLCN7 protein (p.Gly506Arg). The frequency data for this variant in the population databases is considered unreliable, as metrics indicate poor data quality at this position in the gnomAD database. This variant has not been reported in the literature in individuals affected with CLCN7-related conditions. Advanced modeling of protein sequence and biophysical properties (such as structural, functional, and spatial information, amino acid conservation, physicochemical variation, residue mobility, and thermodynamic stability) performed at Invitae indicates that this missense variant is expected to disrupt CLCN7 protein function with a positive predictive value of 95%. In summary, the available evidence is currently insufficient to determine the role of this variant in disease. Therefore, it has been classified as a Variant of Uncertain Significance.

Dr. Peter K. Rogan Lab, Western University
No classification provided (evidence only). Condition: Acute myeloid leukemia. Review status: no classification provided. Collection method: in vitro. Allele origin: not applicable. Functional consequence: skipped exon. Not counted in ClinVar's aggregate classification.

NM_001287.6(CLCN7):c.1516G>A (p.Gly506Arg)

Gene: CLCN7 (Cl-/H+ antiporter 7; minus strand). Cytogenetic location: 16p13.3.
Variant type: single nucleotide variant.
Coding change: c.1516G>A on transcript NM_001287.6 (MANE Select); coding-DNA position 1516, G replaced by A.
Protein change: p.Gly506Arg; replaces glycine 506 with arginine.
Molecular consequence: missense variant.
Genome position (GRCh38, 1-based): chr16:1,450,598, C>T on the plus strand (G>A on the coding strand, the complement: CLCN7 is on the minus strand). VCF-style: chr16-1450598-C-T. GRCh37 (hg19) VCF-style: chr16-1500599-C-T.
Other names: c.1444G>A, p.Gly482Arg (NM_001114331.3); short protein forms G482R, G506R.
Identifiers: ClinVar variation 3619808 (VCV003619808.3).